The following is an entry in ClinVar:

ClinVar aggregate classification (germline): Uncertain significance. Review status: criteria provided, multiple submitters, no conflicts (2 of 4 stars). 2 submissions from 2 submitters: Uncertain significance (2). Last evaluated 2025-02-12.

Conditions:
Episodic kinesigenic dyskinesia (EKD). Also called: Paroxysmal kinesigenic dyskinesia. Identifiers: Orphanet 98809, MedGen C1868682, MONDO:0044202.

Allele frequency attached by ClinVar (database versions not stated): gnomAD 0.00001; gnomAD exomes 0.00001.

Submissions (2):

Labcorp Genetics (formerly Invitae), Labcorp
Classification: Uncertain significance for Episodic kinesigenic dyskinesia. Last evaluated: 2025-02-12. Review status: criteria provided, single submitter. Criteria: Invitae Variant Classification Sherloc (09022015). Collection method: clinical testing. Allele origin: germline.
Comment: This sequence change replaces tyrosine, which is neutral and polar, with cysteine, which is neutral and slightly polar, at codon 339 of the PRRT2 protein (p.Tyr339Cys). This variant is not present in population databases (gnomAD no frequency). This variant has not been reported in the literature in individuals affected with PRRT2-related conditions. ClinVar contains an entry for this variant (Variation ID: 639189). Invitae Evidence Modeling of protein sequence and biophysical properties (such as structural, functional, and spatial information, amino acid conservation, physicochemical variation, residue mobility, and thermodynamic stability) indicates that this missense variant is not expected to disrupt PRRT2 protein function with a negative predictive value of 95%. In summary, the available evidence is currently insufficient to determine the role of this variant in disease. Therefore, it has been classified as a Variant of Uncertain Significance.

CeGaT Center for Human Genetics Tuebingen
Classification: Uncertain significance. Last evaluated: 2021-06-01. Review status: criteria provided, single submitter. Criteria: CeGaT Center For Human Genetics Tuebingen Variant Classification Criteria Version 2. Collection method: clinical testing. Allele origin: germline. Affected: yes. Observed: 2 variant alleles.

NM_145239.3(PRRT2):c.1016A>G (p.Tyr339Cys)

Genes: MVP-DT (MVP divergent transcript; minus strand), PRRT2 (proline rich transmembrane protein 2; plus strand). Cytogenetic location: 16p11.2.
Variant type: single nucleotide variant.
Coding change: c.1016A>G on transcript NM_145239.3 (MANE Select); coding-DNA position 1016, A replaced by G.
Protein change: p.Tyr339Cys; replaces tyrosine 339 with cysteine.
Molecular consequence: missense variant. On other transcripts: 3 prime UTR variant (1).
Genome position (GRCh38, 1-based): chr16:29,814,631, A>G. VCF-style: chr16-29814631-A-G. GRCh37 (hg19) VCF-style: chr16-29825952-A-G.
Other names: c.1178A>G, p.Tyr393Cys (NM_001256442.2); c.*677A>G (NM_001256443.2); short protein forms Y339C, Y393C.
Identifiers: ClinVar variation 639189 (VCV000639189.46), dbSNP rs1596895035, ClinGen allele CA395481557.